The following is an entry in ClinVar:

ClinVar aggregate classification (germline): Uncertain significance (1 of 4 stars; one submission).

Conditions:
Cardiovascular phenotype. Identifiers: MedGen CN230736.

Allele frequency attached by ClinVar (database versions not stated): gnomAD exomes 0.00001.
gnomAD v4.1: 13 of 1,489,784 alleles (0.00087%); highest among the groups gnomAD compares: Non-Finnish European, 0.0011%; no homozygotes.

Submission:

Ambry Genetics
Classification: Uncertain significance for Cardiovascular phenotype. Last evaluated: 2025-11-18. Review status: criteria provided, single submitter. Criteria: Ambry Variant Classification Scheme 2023. Collection method: clinical testing. Allele origin: germline.
Comment: The p.G25W variant (also known as c.73G>T), located in coding exon 1 of the TXNRD2 gene, results from a G to T substitution at nucleotide position 73. The glycine at codon 25 is replaced by tryptophan, an amino acid with highly dissimilar properties. This amino acid position is highly conserved in available vertebrate species. In addition, the in silico prediction for this alteration is inconclusive. Since supporting evidence is limited at this time, the clinical significance of this alteration remains unclear.

NM_006440.5(TXNRD2):c.73G>T (p.Gly25Trp)

Genes: TXNRD2 (thioredoxin reductase 2; minus strand), LOC130066960 (ATAC-STARR-seq lymphoblastoid silent region 13467; plus strand). Cytogenetic location: 22q11.21.
Variant type: single nucleotide variant.
Coding change: c.73G>T on transcript NM_006440.5 (MANE Select); coding-DNA position 73, G replaced by T.
Protein change: p.Gly25Trp; replaces glycine 25 with tryptophan.
Molecular consequence: missense variant. On other transcripts: non-coding transcript variant (1).
Genome position (GRCh38, 1-based): chr22:19,941,731, C>A on the plus strand (G>T on the coding strand, the complement: TXNRD2 is on the minus strand). VCF-style: chr22-19941731-C-A. GRCh37 (hg19) VCF-style: chr22-19929254-C-A.
Other names: c.73G>T, p.Gly25Trp (NM_001282512.3, NM_001352300.2); short protein forms G25W.
Identifiers: ClinVar variation 1758736 (VCV001758736.3), dbSNP rs1201445911, ClinGen allele CA410700049.